The following is an entry in ClinVar:

ClinVar aggregate classification (germline): Pathogenic (1 of 4 stars; one submission).

Conditions:
Disseminated atypical mycobacterial infection. Identifiers: MedGen C0694566.

Submission:

Labcorp Genetics (formerly Invitae), Labcorp
Classification: Pathogenic for Disseminated atypical mycobacterial infection. Last evaluated: 2018-11-01. Review status: criteria provided, single submitter. Criteria: Invitae Variant Classification Sherloc (09022015). Collection method: clinical testing. Allele origin: germline.
Comment: For these reasons, this variant has been classified as Pathogenic. Loss-of-function variants in IFNGR1 are known to be pathogenic (PMID: 8960473, 9806040). This variant has not been reported in the literature in individuals with IFNGR1-related disease. This variant is not present in population databases (ExAC no frequency). This sequence change creates a premature translational stop signal (p.Cys214Serfs*15) in the IFNGR1 gene. It is expected to result in an absent or disrupted protein product.

Literature cited by the submitters: PubMed 8960473; PubMed 9806040.

NM_000416.3(IFNGR1):c.641_644delinsCC (p.Cys214fs)

Gene: IFNGR1 (interferon gamma receptor 1; minus strand). Cytogenetic location: 6q23.3.
Variant type: Indel.
Coding change: c.641_644delinsCC on transcript NM_000416.3 (MANE Select); coding-DNA positions 641 to 644, GTGT replaced by CC.
Protein change: p.Cys214fs; shifts the reading frame from cysteine 214.
Molecular consequence: frameshift variant.
Genome position (GRCh38, 1-based): chr6:137,203,588-137,203,591, ACAC replaced by GG on the plus strand (GTGT replaced by CC on the coding strand, the reverse complement: IFNGR1 is on the minus strand). VCF-style: chr6-137203588-ACAC-GG. GRCh37 (hg19) VCF-style: chr6-137524725-ACAC-GG.
Other names: c.611_614delinsCC, p.Cys204fs (NM_001363526.1); c.518_521delinsCC, p.Cys173fs (NM_001363527.1); short protein forms C214fs, C173fs, C204fs.
Identifiers: ClinVar variation 652535 (VCV000652535.6), dbSNP rs1582634237, ClinGen allele CA915944433.
Genomic context (GRCh38, chr6:137,203,588, plus strand): 5'-CAAACTTCTTTTGACTTTTCAGTTGTAACACCCCACACATGTAAGACTCCTTCTGCTGAA[ACAC>GG]AGTACTGAGAATTCAGTGAGGATACTGGAATCGCTAACTGGCACTGAATCTCGTCACAAT-3'